The following is an entry in ClinVar:

NM_001001331.4(ATP2B2):c.1368C>A (p.Pro456=)

Gene: ATP2B2 (ATPase plasma membrane Ca2+ transporting 2; minus strand). Cytogenetic location: 3p25.3.
Variant type: single nucleotide variant.
Coding change: c.1368C>A on transcript NM_001001331.4 (MANE Select); coding-DNA position 1368, C replaced by A.
Protein change: p.Pro456=; no amino-acid change (proline 456 retained).
Molecular consequence: synonymous variant.
Genome position (GRCh38, 1-based): chr3:10,375,478, G>T on the plus strand (C>A on the coding strand, the complement: ATP2B2 is on the minus strand). VCF-style: chr3-10375478-G-T. GRCh37 (hg19) VCF-style: chr3-10417162-G-T.
Other names: c.1233C>A (NM_001683.3); c.1233C>A, p.Pro411= (NM_001330611.3, NM_001353564.1, NM_001363862.1 and 1 more transcripts).
Identifiers: ClinVar variation 1585396 (VCV001585396.10), dbSNP rs61736456, ClinGen allele CA2253686.
Genomic context (GRCh38, chr3:10,375,478, plus strand): 5'-CTCCCCTCTCACCTTCACCGAATAGGCCAACGAGATGGTGACGGCCAGAGGGAGCCCCTC[G>T]GGCACGGCGACCACCAGCACCGTCACGCCAATGATGAAGAACTTGACAAAGTACTGCACG-3'
Protein context (NP_001001331.1, residues 446-466): IGVTVLVVAV[Pro456=]EGLPLAVTIS

ClinVar aggregate classification (germline): Likely benign. Review status: criteria provided, single submitter (1 of 4 stars). 2 submissions from 2 submitters: Likely benign (1). 1 of the submissions does not count toward it. Last evaluated 2025-09-28.

Conditions:
ATP2B2-related disorder. Also called: ATP2B2-related condition.

Allele frequency attached by ClinVar (database versions not stated): 1000 Genomes Project 30x 0.00016; gnomAD 0.00018 and 0.00019; TOPMed 0.00018; 1000 Genomes Project 0.00020; ESP Exome Variant Server 0.00046.
gnomAD v4.1: 378 of 1,612,962 alleles (0.023%); highest among the groups gnomAD compares: Non-Finnish European, 0.031%; no homozygotes.

Submissions (2):

Labcorp Genetics (formerly Invitae), Labcorp
Classification: Likely benign. Last evaluated: 2025-09-28. Review status: criteria provided, single submitter. Criteria: Invitae Variant Classification Sherloc (09022015). Collection method: clinical testing. Allele origin: germline.

PreventionGenetics, part of Exact Sciences
Classification: Likely benign for ATP2B2-related condition. Last evaluated: 2023-11-21. Review status: no assertion criteria provided. Collection method: clinical testing. Allele origin: germline. Not counted in ClinVar's aggregate classification.
Comment: This variant is classified as likely benign based on ACMG/AMP sequence variant interpretation guidelines (Richards et al. 2015 PMID: 25741868, with internal and published modifications).